The following is an entry in ClinVar:

NM_005236.3(ERCC4):c.2430G>A (p.Ala810=)

Gene: ERCC4 (ERCC excision repair 4, endonuclease catalytic subunit; plus strand). Cytogenetic location: 16p13.12.
Variant type: single nucleotide variant.
Coding change: c.2430G>A on transcript NM_005236.3 (MANE Select); coding-DNA position 2430, G replaced by A.
Protein change: p.Ala810=; no amino-acid change (alanine 810 retained).
Molecular consequence: synonymous variant.
Genome position (GRCh38, 1-based): chr16:13,948,026, G>A. VCF-style: chr16-13948026-G-A. GRCh37 (hg19) VCF-style: chr16-14041883-G-A.
Other names: c.2430G>A (NM_005236.2).
Identifiers: ClinVar variation 1008644 (VCV001008644.10), dbSNP rs770255135, ClinGen allele CA7910738.

ClinVar aggregate classification (germline): Likely benign. Review status: criteria provided, single submitter (1 of 4 stars). 2 submissions from 2 submitters: Likely benign (1). 1 of the submissions does not count toward it. Last evaluated 2025-09-15.

Conditions:
ERCC4-related disorder. Also called: ERCC4-related condition.
Xeroderma pigmentosum, group F (XPF). Also called: ERCC4-Related Xeroderma Pigmentosum; XERODERMA PIGMENTOSUM VI; XP, GROUP F; XERODERMA PIGMENTOSUM, COMPLEMENTATION GROUP F; Xeroderma pigmentosum, type 6; XERODERMA PIGMENTOSUM, TYPE F. Identifiers: MedGen C0268140, MONDO:0010215, OMIM 278760.
Cockayne syndrome. Identifiers: Orphanet 191, MedGen C0009207, MONDO:0016006.
Fanconi anemia complementation group Q. Identifiers: Orphanet 84, MedGen C3808988, MONDO:0014108, OMIM 615272.

Allele frequency attached by ClinVar (database versions not stated): ExAC 0.00001; gnomAD exomes 0.00002; TOPMed 0.00002; gnomAD 0.00003 and 0.00004.
gnomAD v4.1: 23 of 1,614,002 alleles (0.0014%); highest among the groups gnomAD compares: East Asian, 0.0022%; no homozygotes.

Submissions (2):

Labcorp Genetics (formerly Invitae), Labcorp
Classification: Likely benign for Fanconi anemia complementation group Q; Xeroderma pigmentosum, group F; Cockayne syndrome. Last evaluated: 2025-09-15. Review status: criteria provided, single submitter. Criteria: Invitae Variant Classification Sherloc (09022015). Collection method: clinical testing. Allele origin: germline.

PreventionGenetics, part of Exact Sciences
Classification: Likely benign for ERCC4-related condition. Last evaluated: 2020-12-26. Review status: no assertion criteria provided. Collection method: clinical testing. Allele origin: germline. Not counted in ClinVar's aggregate classification.
Comment: This variant is classified as likely benign based on ACMG/AMP sequence variant interpretation guidelines (Richards et al. 2015 PMID: 25741868, with internal and published modifications).